The following is an entry in ClinVar:

ClinVar aggregate classification (germline): Benign. Review status: reviewed by expert panel (3 of 4 stars). 3 submissions from 3 submitters: Benign (1). 2 of the submissions do not count toward it. Last evaluated 2013-09-05.

Conditions:
Lynch syndrome. Identifiers: Orphanet 144, MedGen C4552100, MONDO:0005835. Disease mechanism: loss of function.

Allele frequency attached by ClinVar (database versions not stated): TOPMed 0.06208; gnomAD 0.07535 and 0.07278; 1000 Genomes Project 0.02915; 1000 Genomes Project 30x 0.02920.

Submissions (3):

International Society for Gastrointestinal Hereditary Tumours (InSiGHT)
Classification: Benign for Lynch Syndrome. Last evaluated: 2013-09-05. Review status: reviewed by expert panel. Criteria: Guidelines v1.9. Collection method: research. Allele origin: germline.
Comment: MAF >1%

Classified with v1.9 guidelines
ClinVar note: Converted during submission from no known pathogenicity to Benign.

GeneDx
Classification: Benign. Last evaluated: 2018-06-23. Review status: criteria provided, single submitter. Criteria: GeneDx Variant Classification Process June 2021. Collection method: clinical testing. Allele origin: germline. Affected: yes. Not counted in ClinVar's aggregate classification.

Breakthrough Genomics
Classification: Benign. Review status: criteria provided, single submitter. Criteria: ACMG Guidelines, 2015. Collection method: not provided. Allele origin: germline. Inheritance: Autosomal recessive inheritance. Affected: yes. Not counted in ClinVar's aggregate classification.

NM_000179.2(MSH6):c.-159C>T

Genes: MSH6 (mutS homolog 6; plus strand), LOC129933706 (ATAC-STARR-seq lymphoblastoid silent region 11467; plus strand). Cytogenetic location: 2p16.3.
Variant type: single nucleotide variant.
Coding change: c.-159C>T on transcript NM_000179.2; 159 bases upstream of the start codon, C replaced by T.
Genome position (GRCh38, 1-based): chr2:47,783,075, C>T. VCF-style: chr2-47783075-C-T. GRCh37 (hg19) VCF-style: chr2-48010214-C-T.
Identifiers: ClinVar variation 89158 (VCV000089158.12), dbSNP rs41540312, ClinGen allele CA330335.